The following is an entry in ClinVar:

ClinVar aggregate classification (germline): Likely benign. Review status: criteria provided, multiple submitters, no conflicts (2 of 4 stars). 3 submissions from 3 submitters: Likely benign (3). Last evaluated 2025-10-07.

Conditions:
Hereditary cancer-predisposing syndrome. Also called: Neoplastic Syndromes, Hereditary; Tumor predisposition; Hereditary neoplastic syndrome; Hereditary Cancer Syndrome. Identifiers: Orphanet 140162, MedGen C0027672, MeSH D009386, MONDO:0015356.
Neuroblastoma, susceptibility to, 3. Also called: ALK-Related Neuroblastic Tumor Susceptibility. Identifiers: Orphanet 635, MedGen C2751681, MONDO:0013083, OMIM 613014.

Allele frequency attached by ClinVar (database versions not stated): ExAC 0.00001; gnomAD 0.00001; gnomAD exomes 0.00002 and 0.00003; TOPMed 0.00002.
gnomAD v4.1: 43 of 1,610,472 alleles (0.0027%); highest among the groups gnomAD compares: Non-Finnish European, 0.0033%; 2 homozygotes.

Submissions (3):

Labcorp Genetics (formerly Invitae), Labcorp
Classification: Likely benign for Neuroblastoma, susceptibility to, 3. Last evaluated: 2025-10-07. Review status: criteria provided, single submitter. Criteria: Invitae Variant Classification Sherloc (09022015). Collection method: clinical testing. Allele origin: germline.

CeGaT Center for Human Genetics Tuebingen
Classification: Likely benign. Last evaluated: 2025-01-01. Review status: criteria provided, single submitter. Criteria: CeGaT Center For Human Genetics Tuebingen Variant Classification Criteria Version 2. Collection method: clinical testing. Allele origin: germline. Affected: yes. Observed: 1 variant allele.
Comment: ALK: BP4, BP7

Ambry Genetics
Classification: Likely benign for Hereditary cancer-predisposing syndrome. Last evaluated: 2022-05-05. Review status: criteria provided, single submitter. Criteria: Ambry Variant Classification Scheme 2023. Collection method: clinical testing. Allele origin: germline.

NM_004304.5(ALK):c.1551T>C (p.His517=)

Gene: ALK (ALK receptor tyrosine kinase; minus strand). Cytogenetic location: 2p23.2.
Variant type: single nucleotide variant.
Coding change: c.1551T>C on transcript NM_004304.5 (MANE Select); coding-DNA position 1551, T replaced by C.
Protein change: p.His517=; no amino-acid change (histidine 517 retained).
Molecular consequence: synonymous variant.
Genome position (GRCh38, 1-based): chr2:29,318,400, A>G on the plus strand (T>C on the coding strand, the complement: ALK is on the minus strand). VCF-style: chr2-29318400-A-G. GRCh37 (hg19) VCF-style: chr2-29541266-A-G.
Identifiers: ClinVar variation 1090997 (VCV001090997.24), dbSNP rs763856615, ClinGen allele CA1594611.